The following is an entry in ClinVar:

NM_000051.4(ATM):c.7650G>A (p.Met2550Ile)

Genes: ATM (ATM serine/threonine kinase; plus strand), C11orf65 (chromosome 11 open reading frame 65; minus strand). Cytogenetic location: 11q22.3.
Variant type: single nucleotide variant.
Coding change: c.7650G>A on transcript NM_000051.4 (MANE Select); coding-DNA position 7650, G replaced by A.
Protein change: p.Met2550Ile; replaces methionine 2550 with isoleucine.
Molecular consequence: missense variant. On other transcripts: intron variant (2).
Genome position (GRCh38, 1-based): chr11:108,331,899, G>A. VCF-style: chr11-108331899-G-A. GRCh37 (hg19) VCF-style: chr11-108202626-G-A.
Other names: c.7650G>A, p.Met2550Ile (NM_001351834.2); c.641-22828C>T (NM_001330368.2); c.*38+3321C>T (NM_001351110.2); short protein forms M2550I.
Identifiers: ClinVar variation 3894364 (VCV003894364.1).

ClinVar aggregate classification (germline): Uncertain significance (1 of 4 stars; one submission).

Conditions:
Hereditary cancer-predisposing syndrome. Also called: Neoplastic Syndromes, Hereditary; Tumor predisposition; Hereditary Cancer Syndrome; Hereditary neoplastic syndrome. Identifiers: Orphanet 140162, MedGen C0027672, MeSH D009386, MONDO:0015356.

Submission:

Color Diagnostics, LLC DBA Color Health
Classification: Uncertain significance for Hereditary cancer-predisposing syndrome. Last evaluated: 2023-05-24. Review status: criteria provided, single submitter. Criteria: ACMG Guidelines, 2015. Collection method: clinical testing. Allele origin: germline.
Comment: This missense variant replaces methionine with isoleucine at codon 2550 of the ATM protein. Computational prediction suggests that this variant may not impact protein structure and function (internally defined REVEL score threshold <= 0.5, PMID: 27666373). To our knowledge, functional studies have not been reported for this variant. In a breast cancer case-control study, this variant was reported in 1/7051 female cases and absent in 11241 female controls (PMID: 30287823). This variant has not been identified in the general population by the Genome Aggregation Database (gnomAD). The available evidence is insufficient to determine the role of this variant in disease conclusively. Therefore, this variant is classified as a Variant of Uncertain Significance.

Literature cited by the submitters: PubMed 30287823.